The following is an entry in ClinVar:

NM_001370259.2(MEN1):c.455T>A (p.Leu152Ter)

Gene: MEN1 (menin 1; minus strand). Cytogenetic location: 11q13.1.
Variant type: single nucleotide variant.
Coding change: c.455T>A on transcript NM_001370259.2 (MANE Select); coding-DNA position 455, T replaced by A.
Protein change: p.Leu152Ter; replaces leucine 152 with a stop codon.
Molecular consequence: nonsense. On other transcripts: non-coding transcript variant (4).
Genome position (GRCh38, 1-based): chr11:64,808,090, A>T on the plus strand (T>A on the coding strand, the complement: MEN1 is on the minus strand). VCF-style: chr11-64808090-A-T. GRCh37 (hg19) VCF-style: chr11-64575562-A-T.
Other names: c.470T>A, p.Leu157Ter (NM_000244.4, NM_001407145.1, NM_001407150.1 and 5 more transcripts); c.455T>A, p.Leu152Ter (NM_001370251.2, NM_001370260.2, NM_001370261.2 and 12 more transcripts); short protein forms L152*, L157*.
Identifiers: ClinVar variation 3572318 (VCV003572318.1).

ClinVar aggregate classification (germline): Pathogenic (1 of 4 stars; one submission).

Submission:

Quest Diagnostics Nichols Institute San Juan Capistrano
Classification: Pathogenic. Last evaluated: 2024-02-08. Review status: criteria provided, single submitter. Criteria: Quest Diagnostics criteria. Collection method: clinical testing. Allele origin: unknown.
Comment: The MEN1 c.455T>A (p.Leu152*) variant has been reported in the published literature in a family with pituitary and pancreatic tumors (PMID: 23052745 (2013)). This variant has not been reported in large, multi-ethnic general populations (Genome Aggregation Database). Based on the available information, this variant is classified as pathogenic.

Literature cited by the submitters: PubMed 23052745.